The following is an entry in ClinVar:

ClinVar aggregate classification (germline): Benign (0 of 4 stars; one submission).

Conditions:
MUC16-related disorder. Also called: MUC16-related condition.

Allele frequency attached by ClinVar (database versions not stated): ExAC 0.00002; 1000 Genomes Project 30x 0.31668.

Submission:

PreventionGenetics, part of Exact Sciences
Classification: Benign for MUC16-related condition. Last evaluated: 2019-10-18. Review status: no assertion criteria provided. Collection method: clinical testing. Allele origin: germline.
Comment: This variant is classified as benign based on ACMG/AMP sequence variant interpretation guidelines (Richards et al. 2015 PMID: 25741868, with internal and published modifications).

NM_001401501.2(MUC16):c.39275A>G (p.His13092Arg)

Gene: MUC16 (mucin 16, cell surface associated; minus strand). Cytogenetic location: 19p13.2.
Variant type: single nucleotide variant.
Coding change: c.39275A>G on transcript NM_001401501.2 (MANE Select); coding-DNA position 39275, A replaced by G.
Protein change: p.His13092Arg; replaces histidine 13092 with arginine.
Molecular consequence: missense variant.
Genome position (GRCh38, 1-based): chr19:8,898,961, T>C on the plus strand (A>G on the coding strand, the complement: MUC16 is on the minus strand). VCF-style: chr19-8898961-T-C. GRCh37 (hg19) VCF-style: chr19-9009637-T-C.
Other names: c.39701A>G, p.His13234Arg (NM_001414686.1); c.39155A>G, p.His13052Arg (NM_001414687.1); c.39089A>G, p.His13030Arg (NM_024690.2); short protein forms H13030R, H13052R, H13092R, H13234R.
Identifiers: ClinVar variation 3059135 (VCV003059135.2), dbSNP rs766753564, ClinGen allele CA9164221.